The following is an entry in ClinVar:

NM_001363810.1(VMA21):c.172G>C (p.Glu58Gln)

Gene: VMA21 (vacuolar ATPase assembly factor VMA21; plus strand). Cytogenetic location: Xq28.
Variant type: single nucleotide variant.
Coding change: c.172G>C on transcript NM_001363810.1; coding-DNA position 172, G replaced by C.
Protein change: p.Glu58Gln; replaces glutamic acid 58 with glutamine.
Molecular consequence: missense variant.
Genome position (GRCh38, 1-based): chrX:151,397,011, G>C. VCF-style: chrX-151397011-G-C. GRCh37 (hg19) VCF-style: chrX-150565483-G-C.
Other names: short protein forms E58Q.
Identifiers: ClinVar variation 2661643 (VCV002661643.22), dbSNP rs891766489, ClinGen allele CA337304883.

ClinVar aggregate classification (germline): Uncertain significance (1 of 4 stars; one submission).

Allele frequency attached by ClinVar (database versions not stated): TOPMed 0.00008; gnomAD 0.00006.
gnomAD v4.1: 26 of 514,846 alleles (0.0051%); highest among the groups gnomAD compares: Non-Finnish European, 0.0077%; no homozygotes.

Submission:

CeGaT Center for Human Genetics Tuebingen
Classification: Uncertain significance. Last evaluated: 2022-05-01. Review status: criteria provided, single submitter. Criteria: CeGaT Center For Human Genetics Tuebingen Variant Classification Criteria Version 2. Collection method: clinical testing. Allele origin: germline. Affected: yes. Observed: 1 variant allele.
Comment: VMA21: PM2, BP4